The following is an entry in ClinVar:

ClinVar aggregate classification (germline): Uncertain significance. Review status: criteria provided, multiple submitters, no conflicts (2 of 4 stars). 2 submissions from 2 submitters: Uncertain significance (2). Last evaluated 2023-12-29.

Allele frequency attached by ClinVar (database versions not stated): gnomAD exomes below 0.00001; gnomAD 0.00001; TOPMed 0.00001; ESP Exome Variant Server 0.00008.
gnomAD v4.1: 5 of 1,612,654 alleles (0.00031%); highest among the groups gnomAD compares: African/African-American, 0.0013%; no homozygotes.

Submissions (2):

Revvity Omics, Revvity
Classification: Uncertain significance. Last evaluated: 2023-12-29. Review status: criteria provided, single submitter. Criteria: ACMG Guidelines, 2015. Collection method: clinical testing. Allele origin: germline.

Labcorp Genetics (formerly Invitae), Labcorp
Classification: Uncertain significance. Last evaluated: 2022-07-29. Review status: criteria provided, single submitter. Criteria: Invitae Variant Classification Sherloc (09022015). Collection method: clinical testing. Allele origin: germline.
Comment: This sequence change replaces alanine, which is neutral and non-polar, with threonine, which is neutral and polar, at codon 590 of the CLCN7 protein (p.Ala590Thr). This variant is present in population databases (rs377190713, gnomAD 0.0009%). This missense change has been observed in individual(s) with CLCN7-related conditions (PMID: 33125761). Advanced modeling of protein sequence and biophysical properties (such as structural, functional, and spatial information, amino acid conservation, physicochemical variation, residue mobility, and thermodynamic stability) performed at Invitae indicates that this missense variant is not expected to disrupt CLCN7 protein function. In summary, the available evidence is currently insufficient to determine the role of this variant in disease. Therefore, it has been classified as a Variant of Uncertain Significance.

Literature cited by the submitters: PubMed 33125761 (cited by Labcorp Genetics (formerly Invitae), Labcorp).

NM_001287.6(CLCN7):c.1768G>A (p.Ala590Thr)

Gene: CLCN7 (chloride voltage-gated channel 7; minus strand). Cytogenetic location: 16p13.3.
Variant type: single nucleotide variant.
Coding change: c.1768G>A on transcript NM_001287.6 (MANE Select); coding-DNA position 1768, G replaced by A.
Protein change: p.Ala590Thr; replaces alanine 590 with threonine.
Molecular consequence: missense variant.
Genome position (GRCh38, 1-based): chr16:1,448,995, C>T on the plus strand (G>A on the coding strand, the complement: CLCN7 is on the minus strand). VCF-style: chr16-1448995-C-T. GRCh37 (hg19) VCF-style: chr16-1498996-C-T.
Other names: c.1696G>A, p.Ala566Thr (NM_001114331.3); short protein forms A566T, A590T.
Identifiers: ClinVar variation 1956472 (VCV001956472.6), dbSNP rs377190713, ClinGen allele CA276669444.
Genomic context (GRCh38, chr16:1,448,995, plus strand): 5'-CTCAGGGTGAGGCTTCGAGGCCCTGGCGCACCTCAATGAAGACGTCGCCCACGATCTTGG[C>T]GGTCATGAGCACCAGCATGATGGGGAAGCCGTAGGTCACGTTGCTGGTGGCCTCCATCAT-3'
Protein context (NP_001278.1, residues 580-600): GFPIMLVLMT[Ala590Thr]KIVGDVFIEG